The following is an entry in ClinVar:

ClinVar aggregate classification (germline): Uncertain significance. Review status: criteria provided, multiple submitters, no conflicts (2 of 4 stars). 2 submissions from 2 submitters: Uncertain significance (2). Last evaluated 2025-04-03.

Conditions:
Inborn genetic diseases. Identifiers: MedGen C0950123, MeSH D030342.

Allele frequency attached by ClinVar (database versions not stated): ExAC 0.00002; gnomAD exomes below 0.00001; gnomAD 0.00001.
gnomAD v4.1: 6 of 1,614,028 alleles (0.00037%); highest among the groups gnomAD compares: East Asian, 0.013%; no homozygotes.

Submissions (2):

Ambry Genetics
Classification: Uncertain significance for Inborn genetic diseases. Last evaluated: 2025-04-03. Review status: criteria provided, single submitter. Criteria: Ambry Variant Classification Scheme 2023. Collection method: clinical testing. Allele origin: germline.
Comment: The p.K555Q variant (also known as c.1663A>C), located in coding exon 8 of the MECOM gene, results from an A to C substitution at nucleotide position 1663. The lysine at codon 555 is replaced by glutamine, an amino acid with similar properties. This amino acid position is conserved. In addition, this alteration is predicted to be tolerated by in silico analysis. Based on the available evidence, the clinical significance of this variant remains unclear.

Labcorp Genetics (formerly Invitae), Labcorp
Classification: Uncertain significance. Last evaluated: 2025-03-15. Review status: criteria provided, single submitter. Criteria: Invitae Variant Classification Sherloc (09022015). Collection method: clinical testing. Allele origin: germline.
Comment: This sequence change replaces lysine, which is basic and polar, with glutamine, which is neutral and polar, at codon 367 of the MECOM protein (p.Lys367Gln). This variant is present in population databases (rs749632136, gnomAD 0.03%). This variant has not been reported in the literature in individuals affected with MECOM-related conditions. ClinVar contains an entry for this variant (Variation ID: 3124827). An algorithm developed to predict the effect of missense changes on protein structure and function (PolyPhen-2) suggests that this variant is likely to be tolerated. In summary, the available evidence is currently insufficient to determine the role of this variant in disease. Therefore, it has been classified as a Variant of Uncertain Significance.

NM_004991.4(MECOM):c.1663A>C (p.Lys555Gln)

Gene: MECOM (MDS1 and EVI1 complex locus; minus strand). Cytogenetic location: 3q26.2.
Variant type: single nucleotide variant.
Coding change: c.1663A>C on transcript NM_004991.4 (MANE Select); coding-DNA position 1663, A replaced by C.
Protein change: p.Lys555Gln; replaces lysine 555 with glutamine.
Molecular consequence: missense variant. On other transcripts: intron variant (2).
Genome position (GRCh38, 1-based): chr3:169,116,209, T>G on the plus strand (A>C on the coding strand, the complement: MECOM is on the minus strand). VCF-style: chr3-169116209-T-G. GRCh37 (hg19) VCF-style: chr3-168833997-T-G.
Other names: c.1294A>C, p.Lys432Gln (NM_001105077.4); c.1099A>C, p.Lys367Gln (NM_001105078.4, NM_001164000.2, NM_001205194.2 and 4 more transcripts); c.1102A>C, p.Lys368Gln (NM_001163999.2, NM_001366467.2, NM_001366468.2 and 1 more transcripts); c.1663A>C, p.Lys555Gln (NM_001366466.2); c.1133-442A>C (NM_001366473.2); c.569-442A>C (NM_001366474.2); short protein forms K368Q, K555Q, K367Q, K432Q.
Identifiers: ClinVar variation 3124827 (VCV003124827.4), dbSNP rs749632136, ClinGen allele CA2696302.